The following is an entry in ClinVar:

NM_005876.5(SPEG):c.5142C>G (p.His1714Gln)

Gene: SPEG (striated muscle enriched protein kinase; plus strand). Cytogenetic location: 2q35.
Variant type: single nucleotide variant.
Coding change: c.5142C>G on transcript NM_005876.5 (MANE Select); coding-DNA position 5142, C replaced by G.
Protein change: p.His1714Gln; replaces histidine 1714 with glutamine.
Molecular consequence: missense variant.
Genome position (GRCh38, 1-based): chr2:219,479,839, C>G. VCF-style: chr2-219479839-C-G. GRCh37 (hg19) VCF-style: chr2-220344561-C-G.
Other names: p.His1714Gln; c.5142C>G (NM_005876.4); short protein forms H1714Q.
Identifiers: ClinVar variation 1484015 (VCV001484015.8), dbSNP rs368444908, ClinGen allele CA350688034.
Genomic context (GRCh38, chr2:219,479,839, plus strand): 5'-ACAGATCCGGGCCTATATGCGGCAGGTGCTAGAGGGAATACACTACCTGCACCAGAGCCA[C>G]GTGCTGCACCTCGATGTCAAGGTGAGGTGGGGACTGGAGAGCAGACAGCCCCTGTGGGAG-3'
Protein context (NP_005867.3, residues 1704-1724): LEGIHYLHQS[His1714Gln]VLHLDVKPEN

ClinVar aggregate classification (germline): Uncertain significance. Review status: criteria provided, multiple submitters, no conflicts (2 of 4 stars). 3 submissions from 3 submitters: Uncertain significance (3). Last evaluated 2025-06-24.

Conditions:
Inborn genetic diseases. Identifiers: MedGen C0950123, MeSH D030342.

gnomAD v4.1: 2 of 1,614,084 alleles (0.00012%); highest among the groups gnomAD compares: Admixed American, 0.0033%; no homozygotes.

Submissions (3):

Ambry Genetics
Classification: Uncertain significance for Inborn genetic diseases. Last evaluated: 2025-06-24. Review status: criteria provided, single submitter. Criteria: Ambry Variant Classification Scheme 2023. Collection method: clinical testing. Allele origin: germline.

Mayo Clinic Laboratories, Mayo Clinic
Classification: Uncertain significance. Last evaluated: 2024-05-16. Review status: criteria provided, single submitter. Criteria: ACMG Guidelines, 2015. Collection method: clinical testing. Allele origin: germline. Observed: 1 variant allele.
Comment: BP4

Labcorp Genetics (formerly Invitae), Labcorp
Classification: Uncertain significance. Last evaluated: 2022-03-18. Review status: criteria provided, single submitter. Criteria: Invitae Variant Classification Sherloc (09022015). Collection method: clinical testing. Allele origin: germline.
Comment: In summary, the available evidence is currently insufficient to determine the role of this variant in disease. Therefore, it has been classified as a Variant of Uncertain Significance. Algorithms developed to predict the effect of missense changes on protein structure and function are either unavailable or do not agree on the potential impact of this missense change (SIFT: "Deleterious"; PolyPhen-2: "Benign"; Align-GVGD: "Class C0"). This variant has not been reported in the literature in individuals affected with SPEG-related conditions. This variant is present in population databases (no rsID available, gnomAD 0.003%). This sequence change replaces histidine, which is basic and polar, with glutamine, which is neutral and polar, at codon 1714 of the SPEG protein (p.His1714Gln).